The following is an entry in ClinVar:

ClinVar aggregate classification (germline): Uncertain significance (1 of 4 stars; one submission).

Submission:

Labcorp Genetics (formerly Invitae), Labcorp
Classification: Uncertain significance. Last evaluated: 2025-04-13. Review status: criteria provided, single submitter. Criteria: Invitae Variant Classification Sherloc (09022015). Collection method: clinical testing. Allele origin: germline.
Comment: This sequence change replaces threonine, which is neutral and polar, with isoleucine, which is neutral and non-polar, at codon 716 of the KMT2A protein (p.Thr716Ile). This variant is not present in population databases (gnomAD no frequency). This variant has not been reported in the literature in individuals affected with KMT2A-related conditions. Invitae Evidence Modeling of protein sequence and biophysical properties (such as structural, functional, and spatial information, amino acid conservation, physicochemical variation, residue mobility, and thermodynamic stability) has been performed for this missense variant. However, the output from this modeling did not meet the statistical confidence thresholds required to predict the impact of this variant on KMT2A protein function. In summary, the available evidence is currently insufficient to determine the role of this variant in disease. Therefore, it has been classified as a Variant of Uncertain Significance.

NM_001197104.2(KMT2A):c.2147C>T (p.Thr716Ile)

Gene: KMT2A (lysine methyltransferase 2A; plus strand). Cytogenetic location: 11q23.3.
Variant type: single nucleotide variant.
Coding change: c.2147C>T on transcript NM_001197104.2 (MANE Select); coding-DNA position 2147, C replaced by T.
Protein change: p.Thr716Ile; replaces threonine 716 with isoleucine.
Molecular consequence: missense variant.
Genome position (GRCh38, 1-based): chr11:118,473,306, C>T. VCF-style: chr11-118473306-C-T. GRCh37 (hg19) VCF-style: chr11-118344021-C-T.
Other names: c.2246C>T, p.Thr749Ile (NM_001412597.1); c.2147C>T, p.Thr716Ile (NM_005933.4); short protein forms T716I, T749I.
Identifiers: ClinVar variation 4777708 (VCV004777708.1).